The following is an entry in ClinVar:

NM_018993.4(RIN2):c.2285C>T (p.Ser762Leu)

Gene: RIN2 (Ras and Rab interactor 2; plus strand). Cytogenetic location: 20p11.23.
Variant type: single nucleotide variant.
Coding change: c.2285C>T on transcript NM_018993.4 (MANE Select); coding-DNA position 2285, C replaced by T.
Protein change: p.Ser762Leu; replaces serine 762 with leucine.
Molecular consequence: missense variant.
Genome position (GRCh38, 1-based): chr20:19,996,763, C>T. VCF-style: chr20-19996763-C-T. GRCh37 (hg19) VCF-style: chr20-19977407-C-T.
Other names: c.2432C>T, p.Ser811Leu (NM_001242581.2); c.1667C>T, p.Ser556Leu (NM_001378238.1); short protein forms S762L, S811L, S556L.
Identifiers: ClinVar variation 1943067 (VCV001943067.5), dbSNP rs768021565, ClinGen allele CA9780264.

ClinVar aggregate classification (germline): Uncertain significance (1 of 4 stars; one submission).

Allele frequency attached by ClinVar (database versions not stated): TOPMed below 0.00001; ExAC 0.00001; gnomAD 0.00001; gnomAD exomes 0.00002.
gnomAD v4.1: 10 of 1,613,110 alleles (0.00062%); highest among the groups gnomAD compares: East Asian, 0.0022%; no homozygotes.

Submission:

Labcorp Genetics (formerly Invitae), Labcorp
Classification: Uncertain significance. Last evaluated: 2025-09-02. Review status: criteria provided, single submitter. Criteria: Invitae Variant Classification Sherloc (09022015). Collection method: clinical testing. Allele origin: germline.
Comment: This sequence change replaces serine, which is neutral and polar, with leucine, which is neutral and non-polar, at codon 762 of the RIN2 protein (p.Ser762Leu). This variant is present in population databases (rs768021565, gnomAD 0.01%). This variant has not been reported in the literature in individuals affected with RIN2-related conditions. ClinVar contains an entry for this variant (Variation ID: 1943067). Experimental studies and prediction algorithms are not available or were not evaluated, and the functional significance of this variant is currently unknown. In summary, the available evidence is currently insufficient to determine the role of this variant in disease. Therefore, it has been classified as a Variant of Uncertain Significance.